The following is an entry in ClinVar:

ClinVar aggregate classification (germline): Uncertain significance (1 of 4 stars; one submission).

Submission:

Labcorp Genetics (formerly Invitae), Labcorp
Classification: Uncertain significance. Last evaluated: 2023-06-09. Review status: criteria provided, single submitter. Criteria: Invitae Variant Classification Sherloc (09022015). Collection method: clinical testing. Allele origin: germline.
Comment: In summary, the available evidence is currently insufficient to determine the role of this variant in disease. Therefore, it has been classified as a Variant of Uncertain Significance. Advanced modeling of protein sequence and biophysical properties (such as structural, functional, and spatial information, amino acid conservation, physicochemical variation, residue mobility, and thermodynamic stability) has been performed at Invitae for this missense variant, however the output from this modeling did not meet the statistical confidence thresholds required to predict the impact of this variant on SMAD2 protein function. This variant has not been reported in the literature in individuals affected with SMAD2-related conditions. This variant is not present in population databases (gnomAD no frequency). This sequence change replaces proline, which is neutral and non-polar, with arginine, which is basic and polar, at codon 176 of the SMAD2 protein (p.Pro176Arg).

NM_005901.6(SMAD2):c.527C>G (p.Pro176Arg)

Gene: SMAD2 (SMAD family member 2; minus strand). Cytogenetic location: 18q21.1.
Variant type: single nucleotide variant.
Coding change: c.527C>G on transcript NM_005901.6 (MANE Select); coding-DNA position 527, C replaced by G.
Protein change: p.Pro176Arg; replaces proline 176 with arginine.
Molecular consequence: missense variant.
Genome position (GRCh38, 1-based): chr18:47,868,451, G>C on the plus strand (C>G on the coding strand, the complement: SMAD2 is on the minus strand). VCF-style: chr18-47868451-G-C. GRCh37 (hg19) VCF-style: chr18-45394822-G-C.
Other names: c.527C>G, p.Pro176Arg (NM_001003652.4); c.437C>G, p.Pro146Arg (NM_001135937.3); short protein forms P176R, P146R.
Identifiers: ClinVar variation 2754280 (VCV002754280.3), dbSNP rs1260546123, ClinGen allele CA402501776.
Genomic context (GRCh38, chr18:47,868,451, plus strand): 5'-TAGTCATCCAGAGGCGGAAGTTCTGTTAGGATCTCGGTGTGTCGGGGCACTAATACTGGA[G>C]GCAAAACTGAAAAAGTTCAAGAAATCCAAGTTAATGGCAAAGAGCAAAGGGGAGTGGGGG-3'
Protein context (NP_005892.1, residues 166-186): HYQRVETPVL[Pro176Arg]PVLVPRHTEI